The following is an entry in ClinVar:

NM_000709.4(BCKDHA):c.740A>G (p.His247Arg)

Gene: BCKDHA (branched chain keto acid dehydrogenase E1 subunit alpha; plus strand). Cytogenetic location: 19q13.2.
Variant type: single nucleotide variant.
Coding change: c.740A>G on transcript NM_000709.4 (MANE Select); coding-DNA position 740, A replaced by G.
Protein change: p.His247Arg; replaces histidine 247 with arginine.
Molecular consequence: missense variant.
Genome position (GRCh38, 1-based): chr19:41,422,257, A>G. VCF-style: chr19-41422257-A-G. GRCh37 (hg19) VCF-style: chr19-41928162-A-G.
Other names: c.740A>G, p.His247Arg (NM_001164783.2); short protein forms H247R.
Identifiers: ClinVar variation 982806 (VCV000982806.8), dbSNP rs1468416468, ClinGen allele CA406012849.

ClinVar aggregate classification (germline): Conflicting classifications of pathogenicity. Review status: criteria provided, conflicting classifications (1 of 4 stars). 3 submissions from 3 submitters: Pathogenic (1); Likely pathogenic (1); Uncertain significance (1). Last evaluated 2025-08-01.

Conditions:
Maple syrup urine disease (MSUD). Identifiers: Orphanet 511, MedGen C0024776, MeSH D008375, MONDO:0009563. Disease mechanism: loss of function.

Allele frequency attached by ClinVar (database versions not stated): gnomAD exomes below 0.00001; TOPMed 0.00001.
gnomAD v4.1: 2 of 1,614,196 alleles (0.00012%); highest among the groups gnomAD compares: Non-Finnish European, 0.00017%; no homozygotes.

Submissions (3):

Women's Health and Genetics/Laboratory Corporation of America, LabCorp
Classification: Uncertain significance. Last evaluated: 2025-08-01. Review status: criteria provided, single submitter. Criteria: LabCorp Variant Classification Summary - May 2015. Collection method: clinical testing. Allele origin: germline.
Comment: Variant summary: BCKDHA c.740A>G (p.His247Arg) results in a non-conservative amino acid change located in the dehydrogenase E1 component domain of the encoded protein sequence. Algorithms developed to predict the effect of missense changes on protein structure and function all suggest that this variant is likely to be disruptive. The variant was absent in 251418 control chromosomes. The available data on variant occurrences in the general population are insufficient to allow any conclusion about variant significance.c.740A>G has been observed in individuals affected with Maple Syrup Urine Disease (e.g, Li_2015, Mengler_2024). These data do not allow any conclusion about variant significance. To our knowledge, no experimental evidence demonstrating an impact on protein function has been reported. The following publications have been ascertained in the context of this evaluation (PMID: 26453840, 38957900). ClinVar contains an entry for this variant (Variation ID: 982806). Based on the evidence outlined above, the variant was classified as uncertain significance.

Labcorp Genetics (formerly Invitae), Labcorp
Classification: Likely pathogenic for Maple syrup urine disease. Last evaluated: 2022-03-14. Review status: criteria provided, single submitter. Criteria: Invitae Variant Classification Sherloc (09022015). Collection method: clinical testing. Allele origin: germline.
Comment: In summary, the currently available evidence indicates that the variant is pathogenic, but additional data are needed to prove that conclusively. Therefore, this variant has been classified as Likely Pathogenic. Advanced modeling of protein sequence and biophysical properties (such as structural, functional, and spatial information, amino acid conservation, physicochemical variation, residue mobility, and thermodynamic stability) performed at Invitae indicates that this missense variant is expected to disrupt BCKDHA protein function. ClinVar contains an entry for this variant (Variation ID: 982806). This missense change has been observed in individual(s) with maple syrup urine disease (PMID: 26453840). This variant is not present in population databases (gnomAD no frequency). This sequence change replaces histidine, which is basic and polar, with arginine, which is basic and polar, at codon 247 of the BCKDHA protein (p.His247Arg).

Institute of Human Genetics, University of Leipzig Medical Center
Classification: Pathogenic for Maple syrup urine disease type 1A. Last evaluated: 2019-01-01. Review status: criteria provided, single submitter. Criteria: ACMG Guidelines, 2015. Collection method: clinical testing. Allele origin: unknown. Affected: yes.
Comment: This variant was identified as compound heterozygous.

Literature cited by the submitters: PubMed 26453840 (cited by Women's Health and Genetics/Laboratory Corporation of America, LabCorp and Labcorp Genetics (formerly Invitae), Labcorp); PubMed 38957900 (cited by Women's Health and Genetics/Laboratory Corporation of America, LabCorp).